The following is an entry in ClinVar:

ClinVar aggregate classification (germline): Uncertain significance (1 of 4 stars; one submission).

Conditions:
Hereditary cancer-predisposing syndrome. Also called: Neoplastic Syndromes, Hereditary; Hereditary Cancer Syndrome; Tumor predisposition; Hereditary neoplastic syndrome. Identifiers: Orphanet 140162, MedGen C0027672, MeSH D009386, MONDO:0015356.

Submission:

Ambry Genetics
Classification: Uncertain significance for Hereditary cancer-predisposing syndrome. Last evaluated: 2023-01-26. Review status: criteria provided, single submitter. Criteria: Ambry Variant Classification Scheme 2023. Collection method: clinical testing. Allele origin: germline.
Comment: The p.C211Y variant (also known as c.632G>A), located in coding exon 2 of the HOXB13 gene, results from a G to A substitution at nucleotide position 632. The cysteine at codon 211 is replaced by tyrosine, an amino acid with highly dissimilar properties. This amino acid position is conserved. In addition, the in silico prediction for this alteration is inconclusive. Since supporting evidence is limited at this time, the clinical significance of this alteration remains unclear.

NM_006361.6(HOXB13):c.632G>A (p.Cys211Tyr)

Gene: HOXB13 (homeobox B13; minus strand). Cytogenetic location: 17q21.32.
Variant type: single nucleotide variant.
Coding change: c.632G>A on transcript NM_006361.6 (MANE Select); coding-DNA position 632, G replaced by A.
Protein change: p.Cys211Tyr; replaces cysteine 211 with tyrosine.
Molecular consequence: missense variant.
Genome position (GRCh38, 1-based): chr17:48,727,013, C>T on the plus strand (G>A on the coding strand, the complement: HOXB13 is on the minus strand). VCF-style: chr17-48727013-C-T. GRCh37 (hg19) VCF-style: chr17-46804375-C-T.
Other names: short protein forms C211Y.
Identifiers: ClinVar variation 2448871 (VCV002448871.2), dbSNP rs2143067764, ClinGen allele CA400106981.